The following is an entry in ClinVar:

ClinVar aggregate classification (germline): Uncertain significance. Review status: criteria provided, multiple submitters, no conflicts (2 of 4 stars). 2 submissions from 2 submitters: Uncertain significance (2). Last evaluated 2025-04-29.

Conditions:
POLD1-related polyposis and colorectal cancer syndrome (CRCS10). Also called: Colorectal cancer 10; COLORECTAL CANCER, SUSCEPTIBILITY TO, ON CHROMOSOME 19q; Colorectal cancer, susceptibility to, 10. Identifiers: Orphanet 220460, MedGen C2675481, MONDO:0012953, OMIM 612591.

Allele frequency attached by ClinVar (database versions not stated): ExAC 0.00001; gnomAD exomes 0.00001.
gnomAD v4.1: 1 of 1,601,662 alleles (0.000062%); highest among the groups gnomAD compares: Admixed American, 0.0017%; no homozygotes.

Submissions (2):

Labcorp Genetics (formerly Invitae), Labcorp
Classification: Uncertain significance for POLD1-related polyposis and colorectal cancer syndrome. Last evaluated: 2025-04-29. Review status: criteria provided, single submitter. Criteria: Invitae Variant Classification Sherloc (09022015). Collection method: clinical testing. Allele origin: germline.
Comment: This sequence change replaces arginine, which is basic and polar, with tryptophan, which is neutral and slightly polar, at codon 561 of the POLD1 protein (p.Arg561Trp). This variant is present in population databases (rs368738479, gnomAD 0.003%). This variant has not been reported in the literature in individuals affected with POLD1-related conditions. ClinVar contains an entry for this variant (Variation ID: 469212). Invitae Evidence Modeling of protein sequence and biophysical properties (such as structural, functional, and spatial information, amino acid conservation, physicochemical variation, residue mobility, and thermodynamic stability) indicates that this missense variant is expected to disrupt POLD1 protein function with a positive predictive value of 80%. In summary, the available evidence is currently insufficient to determine the role of this variant in disease. Therefore, it has been classified as a Variant of Uncertain Significance.

PreventionGenetics, part of Exact Sciences
Classification: Uncertain significance. Last evaluated: 2017-06-20. Review status: criteria provided, single submitter. Criteria: ACMG Guidelines, 2015. Collection method: clinical testing. Allele origin: germline.

NM_002691.4(POLD1):c.1681C>T (p.Arg561Trp)

Gene: POLD1 (DNA polymerase delta 1, catalytic subunit; plus strand). Cytogenetic location: 19q13.33.
Variant type: single nucleotide variant.
Coding change: c.1681C>T on transcript NM_002691.4 (MANE Select); coding-DNA position 1681, C replaced by T.
Protein change: p.Arg561Trp; replaces arginine 561 with tryptophan.
Molecular consequence: missense variant. On other transcripts: non-coding transcript variant (1).
Genome position (GRCh38, 1-based): chr19:50,407,169, C>T. VCF-style: chr19-50407169-C-T. GRCh37 (hg19) VCF-style: chr19-50910426-C-T.
Other names: c.1681C>T, p.Arg561Trp (NM_001256849.1, NM_001308632.1); short protein forms R561W.
Identifiers: ClinVar variation 469212 (VCV000469212.10), dbSNP rs368738479, ClinGen allele CA9596199.